The following is an entry in ClinVar:

NM_001035.3(RYR2):c.9539T>G (p.Ile3180Ser)

Gene: RYR2 (ryanodine receptor 2; plus strand). Cytogenetic location: 1q43.
Variant type: single nucleotide variant.
Coding change: c.9539T>G on transcript NM_001035.3 (MANE Select); coding-DNA position 9539, T replaced by G.
Protein change: p.Ile3180Ser; replaces isoleucine 3180 with serine.
Molecular consequence: missense variant.
Genome position (GRCh38, 1-based): chr1:237,705,302, T>G. VCF-style: chr1-237705302-T-G. GRCh37 (hg19) VCF-style: chr1-237868602-T-G.
Other names: short protein forms I3180S.
Identifiers: ClinVar variation 4685950 (VCV004685950.1).
Genomic context (GRCh38, chr1:237,705,302, plus strand): 5'-CTGCCTTTGCTGGTGCTTTTCCTGTAGCATTTTTGGAAACTCATCTGGACAAACATAATA[T>G]TTACTCCATCTACAATACCAAGTCTTCACGAGAAAGAGCAGGTAACACAGAAACATGTGC-3'
Protein context (NP_001026.2, residues 3170-3190): FLETHLDKHN[Ile3180Ser]YSIYNTKSSR

ClinVar aggregate classification (germline): Uncertain significance (1 of 4 stars; one submission).

Submission:

ARUP Laboratories, Molecular Genetics and Genomics, ARUP Laboratories
Classification: Uncertain significance. Last evaluated: 2025-07-10. Review status: criteria provided, single submitter. Criteria: ARUP Molecular Germline Variant Investigation Process 2024. Collection method: clinical testing. Allele origin: germline.
Comment: The RYR2 c.9539T>G; p.Ile3180Ser variant, to our knowledge, is not reported in the medical literature or gene specific databases. This variant is also absent from the Genome Aggregation Database (v2.1.1), indicating it is not a common polymorphism. Computational analyses are uncertain whether this variant is neutral or deleterious (REVEL: 0.181). Due to limited information, the clinical significance of this variant is uncertain at this time.